The following is an entry in ClinVar:

ClinVar aggregate classification (germline): Uncertain significance (1 of 4 stars; one submission).

Allele frequency attached by ClinVar (database versions not stated): gnomAD 0.00001; gnomAD exomes 0.00001; TOPMed 0.00001.
gnomAD v4.1: 11 of 1,532,228 alleles (0.00072%); highest among the groups gnomAD compares: African/African-American, 0.0014%; no homozygotes.

Submission:

Labcorp Genetics (formerly Invitae), Labcorp
Classification: Uncertain significance. Last evaluated: 2021-10-14. Review status: criteria provided, single submitter. Criteria: Invitae Variant Classification Sherloc (09022015). Collection method: clinical testing. Allele origin: germline.
Comment: This sequence change replaces arginine with glycine at codon 9 of the PHYH protein (p.Arg9Gly). The arginine residue is weakly conserved and there is a moderate physicochemical difference between arginine and glycine. The frequency data for this variant in the population databases is considered unreliable, as metrics indicate insufficient coverage at this position in the ExAC database. This variant has not been reported in the literature in individuals affected with PHYH-related conditions. Algorithms developed to predict the effect of missense changes on protein structure and function are either unavailable or do not agree on the potential impact of this missense change (SIFT: "Tolerated"; PolyPhen-2: "Probably Damaging"; Align-GVGD: "Class C0"). In summary, the available evidence is currently insufficient to determine the role of this variant in disease. Therefore, it has been classified as a Variant of Uncertain Significance.

NM_006214.4(PHYH):c.25C>G (p.Arg9Gly)

Genes: PHYH (phytanoyl-CoA 2-hydroxylase; minus strand), LOC130003374 (ATAC-STARR-seq lymphoblastoid silent region 2152; plus strand). Cytogenetic location: 10p13.
Variant type: single nucleotide variant.
Coding change: c.25C>G on transcript NM_006214.4 (MANE Select); coding-DNA position 25, C replaced by G.
Protein change: p.Arg9Gly; replaces arginine 9 with glycine.
Molecular consequence: missense variant.
Genome position (GRCh38, 1-based): chr10:13,300,018, G>C on the plus strand (C>G on the coding strand, the complement: PHYH is on the minus strand). VCF-style: chr10-13300018-G-C. GRCh37 (hg19) VCF-style: chr10-13342018-G-C.
Other names: c.25C>G, p.Arg9Gly (NM_001323082.2, NM_001323083.2); short protein forms R9G.
Identifiers: ClinVar variation 1495661 (VCV001495661.3), dbSNP rs1196837590, ClinGen allele CA376038454.
Genomic context (GRCh38, chr10:13,300,018, plus strand): 5'-CAAAGGATACGACAGCCCCGGCCGAGGGGCGGCCGAGGTGGCCCAGAACAATCTGCAGAC[G>C]GGCGGCGGCGCGAAGCTGCTCCATGGCTGCGGCGCGGGGAACCCCCACCCCTCCCGGCCT-3'
Protein context (NP_006205.1, residues 1-19): MEQLRAAA[Arg9Gly]LQIVLGHLGR